The following is an entry in ClinVar:

NM_004859.4(CLTC):c.541A>C (p.Met181Leu)

Gene: CLTC (clathrin heavy chain; plus strand). Cytogenetic location: 17q23.1.
Variant type: single nucleotide variant.
Coding change: c.541A>C on transcript NM_004859.4 (MANE Select); coding-DNA position 541, A replaced by C.
Protein change: p.Met181Leu; replaces methionine 181 with leucine.
Molecular consequence: missense variant.
Genome position (GRCh38, 1-based): chr17:59,648,261, A>C. VCF-style: chr17-59648261-A-C. GRCh37 (hg19) VCF-style: chr17-57725622-A-C.
Other names: c.553A>C, p.Met185Leu (NM_001288653.2); short protein forms M185L, M181L.
Identifiers: ClinVar variation 3708103 (VCV003708103.2).

ClinVar aggregate classification (germline): Uncertain significance (1 of 4 stars; one submission).

Submission:

Labcorp Genetics (formerly Invitae), Labcorp
Classification: Uncertain significance. Last evaluated: 2025-01-20. Review status: criteria provided, single submitter. Criteria: Invitae Variant Classification Sherloc (09022015). Collection method: clinical testing. Allele origin: germline.
Comment: This sequence change replaces methionine, which is neutral and non-polar, with leucine, which is neutral and non-polar, at codon 185 of the CLTC protein (p.Met185Leu). This variant is not present in population databases (gnomAD no frequency). This variant has not been reported in the literature in individuals affected with CLTC-related conditions. Invitae Evidence Modeling of protein sequence and biophysical properties (such as structural, functional, and spatial information, amino acid conservation, physicochemical variation, residue mobility, and thermodynamic stability) indicates that this missense variant is not expected to disrupt CLTC protein function with a negative predictive value of 80%. In summary, the available evidence is currently insufficient to determine the role of this variant in disease. Therefore, it has been classified as a Variant of Uncertain Significance.